The following is an entry in ClinVar:

NM_001105206.3(LAMA4):c.2994C>G (p.Asn998Lys)

Gene: LAMA4 (laminin subunit alpha 4; minus strand). Cytogenetic location: 6q21.
Variant type: single nucleotide variant.
Coding change: c.2994C>G on transcript NM_001105206.3 (MANE Select); coding-DNA position 2994, C replaced by G.
Protein change: p.Asn998Lys; replaces asparagine 998 with lysine.
Molecular consequence: missense variant.
Genome position (GRCh38, 1-based): chr6:112,139,868, G>C on the plus strand (C>G on the coding strand, the complement: LAMA4 is on the minus strand). VCF-style: chr6-112139868-G-C. GRCh37 (hg19) VCF-style: chr6-112461070-G-C.
Other names: c.2973C>G, p.Asn991Lys (NM_001105207.3, NM_002290.5); short protein forms N998K, N991K.
Identifiers: ClinVar variation 1798307 (VCV001798307.2), dbSNP rs782063568, ClinGen allele CA365379429.

ClinVar aggregate classification (germline): Uncertain significance (1 of 4 stars; one submission).

Conditions:
Cardiovascular phenotype. Identifiers: MedGen CN230736.

Submission:

Ambry Genetics
Classification: Uncertain significance for Cardiovascular phenotype. Last evaluated: 2020-10-27. Review status: criteria provided, single submitter. Criteria: Ambry Variant Classification Scheme 2023. Collection method: clinical testing. Allele origin: germline.
Comment: The p.N991K variant (also known as c.2973C>G), located in coding exon 22 of the LAMA4 gene, results from a C to G substitution at nucleotide position 2973. The asparagine at codon 991 is replaced by lysine, an amino acid with similar properties. This amino acid position is not well conserved in available vertebrate species. In addition, this alteration is predicted to be tolerated by in silico analysis. Since supporting evidence is limited at this time, the clinical significance of this alteration remains unclear.